The following is an entry in ClinVar:

NM_001382430.1(AKT1):c.1172+9C>T

Gene: AKT1 (AKT serine/threonine kinase 1; minus strand). Cytogenetic location: 14q32.33.
Variant type: single nucleotide variant.
Coding change: c.1172+9C>T on transcript NM_001382430.1 (MANE Select); 9 bases into the intron after coding-DNA position 1172, C replaced by T.
Molecular consequence: intron variant.
Genome position (GRCh38, 1-based): chr14:104,772,869, G>A on the plus strand (C>T on the coding strand, the complement: AKT1 is on the minus strand). VCF-style: chr14-104772869-G-A. GRCh37 (hg19) VCF-style: chr14-105239206-G-A.
Other names: c.1172+9C>T (NM_001014431.2, NM_001014432.2, NM_001382433.1 and 3 more transcripts).
Identifiers: ClinVar variation 702510 (VCV000702510.13), dbSNP rs529348439, ClinGen allele CA7374553.
Genomic context (GRCh38, chr14:104,772,869, plus strand): 5'-CAGGGGCAGGTGCAGCCTGGGGATGAGGGGATGGAGGTGTAGCCTGTAGCTGGGATGGGC[G>A]GCCCTCACCTCTGCTTGGGGTCCTTCTTGAGCAGCCCTGAAAGCAAGGACTTGGCCTCGG-3'

ClinVar aggregate classification (germline): Likely benign. Review status: criteria provided, single submitter (1 of 4 stars). 2 submissions from 2 submitters: Likely benign (1). 1 of the submissions does not count toward it. Last evaluated 2023-10-22.

Conditions:
AKT1-related disorder. Also called: AKT1-related condition.
Cowden syndrome 6 (CWS6). Identifiers: Orphanet 201, MedGen C3554519, MONDO:0014048, OMIM 615109.

Allele frequency attached by ClinVar (database versions not stated): TOPMed 0.00001; gnomAD 0.00002 and 0.00001; gnomAD exomes 0.00003; ExAC 0.00004; 1000 Genomes Project 0.00020; 1000 Genomes Project 30x 0.00031.
gnomAD v4.1: 28 of 1,603,412 alleles (0.0017%); highest among the groups gnomAD compares: South Asian, 0.0055%; no homozygotes.

Submissions (2):

Labcorp Genetics (formerly Invitae), Labcorp
Classification: Likely benign for Cowden syndrome 6. Last evaluated: 2023-10-22. Review status: criteria provided, single submitter. Criteria: Invitae Variant Classification Sherloc (09022015). Collection method: clinical testing. Allele origin: germline.

PreventionGenetics, part of Exact Sciences
Classification: Likely benign for AKT1-related condition. Last evaluated: 2020-12-15. Review status: no assertion criteria provided. Collection method: clinical testing. Allele origin: germline. Not counted in ClinVar's aggregate classification.
Comment: This variant is classified as likely benign based on ACMG/AMP sequence variant interpretation guidelines (Richards et al. 2015 PMID: 25741868, with internal and published modifications).